The following is an entry in ClinVar:

NM_080916.3(DGUOK):c.591+221T>C

Gene: DGUOK (deoxyguanosine kinase; plus strand). Cytogenetic location: 2p13.1.
Variant type: single nucleotide variant.
Coding change: c.591+221T>C on transcript NM_080916.3 (MANE Select); 221 bases into the intron after coding-DNA position 591, T replaced by C.
Molecular consequence: intron variant.
Genome position (GRCh38, 1-based): chr2:73,950,953, T>C. VCF-style: chr2-73950953-T-C. GRCh37 (hg19) VCF-style: chr2-74178080-T-C.
Other names: c.300+221T>C (NM_001318861.2, NM_001318860.2); c.282+221T>C (NM_001318862.2, NM_001318863.2); c.443+4047T>C (NM_080918.3); c.425+4065T>C (NM_001318859.2).
Identifiers: ClinVar variation 679279 (VCV000679279.1), dbSNP rs7564379, ClinGen allele CA11072358.
Genomic context (GRCh38, chr2:73,950,953, plus strand): 5'-CTGTTCCCCACTGGCTTCGTGTAGCAGAGTGCTAAAGCCATTGACTATGCATAAAAGGAT[T>C]GCTGTTGATGTAGGAACAACAGAGCAAATCGAGTGTCATCTTTATGATGACGCTTAGGGT-3'

ClinVar aggregate classification (germline): Benign (1 of 4 stars; one submission).

Allele frequency attached by ClinVar (database versions not stated): 1000 Genomes Project 0.63898; 1000 Genomes Project 30x 0.64475; TOPMed 0.68085; gnomAD 0.69033 and 0.69496.
gnomAD v4.1: 104,981 of 152,036 alleles (69%); highest among the groups gnomAD compares: African/African-American, 71%; 36,466 homozygotes.

Submission:

GeneDx
Classification: Benign. Last evaluated: 2018-06-14. Review status: criteria provided, single submitter. Criteria: GeneDx Variant Classification (06012015). Collection method: clinical testing. Allele origin: germline. Affected: yes.
Comment: This variant is considered likely benign or benign based on one or more of the following criteria: it is a conservative change, it occurs at a poorly conserved position in the protein, it is predicted to be benign by multiple in silico algorithms, and/or has population frequency not consistent with disease.